The following is an entry in ClinVar:

ClinVar aggregate classification (germline): Uncertain significance. Review status: criteria provided, multiple submitters, no conflicts (2 of 4 stars). 2 submissions from 2 submitters: Uncertain significance (2). Last evaluated 2024-08-05.

Conditions:
Seizures, benign familial infantile, 3 (BFIS3). Also called: Familial neonatal seizures; CONVULSIONS, BENIGN FAMILIAL INFANTILE, 3. Identifiers: Orphanet 140927, Orphanet 306, MedGen C1843140, MONDO:0011904, OMIM 607745.
Developmental and epileptic encephalopathy, 11 (DEE11). Also called: Early infantile epileptic encephalopathy 11. Identifiers: Orphanet 1934, MedGen C3150987, MONDO:0013388, OMIM 613721.

Allele frequency attached by ClinVar (database versions not stated): gnomAD exomes below 0.00001 and 0.00001.
gnomAD v4.1: 12 of 1,614,110 alleles (0.00074%); highest among the groups gnomAD compares: Non-Finnish European, 0.00093%; no homozygotes.

Submissions (2):

Labcorp Genetics (formerly Invitae), Labcorp
Classification: Uncertain significance for Seizures, benign familial infantile, 3; Developmental and epileptic encephalopathy, 11. Last evaluated: 2024-08-05. Review status: criteria provided, single submitter. Criteria: Invitae Variant Classification Sherloc (09022015). Collection method: clinical testing. Allele origin: germline.
Comment: This sequence change replaces glycine, which is neutral and non-polar, with glutamic acid, which is acidic and polar, at codon 1008 of the SCN2A protein (p.Gly1008Glu). This variant is present in population databases (no rsID available, gnomAD 0.0009%). This variant has not been reported in the literature in individuals affected with SCN2A-related conditions. ClinVar contains an entry for this variant (Variation ID: 429289). Advanced modeling of protein sequence and biophysical properties (such as structural, functional, and spatial information, amino acid conservation, physicochemical variation, residue mobility, and thermodynamic stability) performed at Invitae indicates that this missense variant is not expected to disrupt SCN2A protein function with a negative predictive value of 95%. In summary, the available evidence is currently insufficient to determine the role of this variant in disease. Therefore, it has been classified as a Variant of Uncertain Significance.

GeneDx
Classification: Uncertain significance. Last evaluated: 2017-04-27. Review status: criteria provided, single submitter. Criteria: GeneDx Variant Classification (06012015). Collection method: clinical testing. Allele origin: germline. Affected: yes.
Comment: A variant of uncertain significance has been identified in the SCN2A gene. The G1008E variant has not been published as a pathogenic variant, nor has it been reported as a benign variant to our knowledge. The G1008E variant is not observed in large population cohorts (Lek et al., 2016; 1000 Genomes Consortium et al., 2015; Exome Variant Server). The G1008E variant is a non-conservative amino acid substitution, which is likely to impact secondary protein structure as these residues differ in polarity, charge, size and/or other properties. This substitution alters a conserved position predicted to be in the cytoplasmic loop between the second and third homologous domains. However, in silico analysis is inconsistent in its predictions as to whether or not the variant is damaging to the protein structure/function. Therefore, based on the currently available information, it is unclear whether this variant is a pathogenic variant or a rare benign variant.

NM_001040142.2(SCN2A):c.3023G>A (p.Gly1008Glu)

Gene: SCN2A (sodium voltage-gated channel alpha subunit 2; plus strand). Cytogenetic location: 2q24.3.
Variant type: single nucleotide variant.
Coding change: c.3023G>A on transcript NM_001040142.2 (MANE Select); coding-DNA position 3023, G replaced by A.
Protein change: p.Gly1008Glu; replaces glycine 1008 with glutamic acid.
Molecular consequence: missense variant.
Genome position (GRCh38, 1-based): chr2:165,354,295, G>A. VCF-style: chr2-165354295-G-A. GRCh37 (hg19) VCF-style: chr2-166210805-G-A.
Other names: c.3023G>A, p.Gly1008Glu (NM_001040143.2, NM_001371246.1, NM_001371247.1 and 1 more transcripts); short protein forms G1008E.
Identifiers: ClinVar variation 429289 (VCV000429289.4), dbSNP rs1131691300, ClinGen allele CA349019751.